The following is an entry in ClinVar:

ClinVar aggregate classification (germline): Uncertain significance (1 of 4 stars; one submission).

Conditions:
Muscular dystrophy-dystroglycanopathy (congenital with brain and eye anomalies), type A, 7. Also called: WALKER-WARBURG SYNDROME OR MUSCLE-EYE-BRAIN DISEASE, ISPD-RELATED; Congenital muscular dystrophy-dystroglycanopathy with brain and eye anomalies, type A7. Identifiers: Orphanet 899, MedGen C3553330, MONDO:0013835, OMIM 614643.
Autosomal recessive limb-girdle muscular dystrophy type 2U. Also called: MUSCULAR DYSTROPHY, LIMB-GIRDLE, TYPE 2U; Muscular dystrophy-dystroglycanopathy (limb-girdle), type c, 7. Identifiers: Orphanet 352479, MedGen C5190987, MONDO:0014474, OMIM 616052.

Submission:

Labcorp Genetics (formerly Invitae), Labcorp
Classification: Uncertain significance for Muscular dystrophy-dystroglycanopathy (congenital with brain and eye anomalies), type A, 7; Autosomal recessive limb-girdle muscular dystrophy type 2U. Last evaluated: 2020-08-16. Review status: criteria provided, single submitter. Criteria: Invitae Variant Classification Sherloc (09022015). Collection method: clinical testing. Allele origin: germline.
Comment: This variant has not been reported in the literature in individuals with ISPD-related conditions. This variant results in a copy number gain of the genomic region encompassing exon(s) 3 of the ISPD gene. While the exact position of this variant cannot be determined from the data, sub-genic copy number gains are generally in tandem (PMID: 25640679). This variant is predicted to be in-frame, and likely preserves the integrity of the reading frame. In summary, the available evidence is currently insufficient to determine the role of this variant in disease. Therefore, it has been classified as a Variant of Uncertain Significance.

Literature cited by the submitters: PubMed 25640679.

NC_000007.13:g.(?_16415697)_(16415886_?)dup

Gene: CRPPA (CDP-L-ribitol pyrophosphorylase A; minus strand). Cytogenetic location: 7p21.2.
Variant type: Duplication.
Identifiers: ClinVar variation 999233 (VCV000999233.6).